The following is an entry in ClinVar:

ClinVar aggregate classification (germline): Conflicting classifications of pathogenicity. Review status: criteria provided, conflicting classifications (1 of 4 stars). 8 submissions from 8 submitters: Likely pathogenic (2); Uncertain significance (5). 1 of the submissions does not count toward it. Last evaluated 2026-07-01.

Conditions:
GAA-related disorders.
Glycogen storage disease, type II (IOPD). Also called: Pompe Disease; GLYCOGENOSIS, GENERALIZED, CARDIAC FORM; GSD II; CARDIOMEGALIA GLYCOGENICA DIFFUSA; Glycogen storage disease type 2; Acid maltase deficiency disease. Identifiers: Orphanet 365, MedGen C0017921, MONDO:0009290, OMIM 232300.

Allele frequency attached by ClinVar (database versions not stated): TOPMed below 0.00001; gnomAD 0.00001; gnomAD exomes 0.00001; ExAC 0.00002.

Submissions (8):

Genomenon, Inc
Classification: Uncertain significance for Glycogen storage disease, type II. Last evaluated: 2026-07-01. Review status: criteria provided, single submitter. Criteria: Genomenon Sequence Variant Interpretation Standards - Updated. Collection method: curation. Allele origin: germline. Affected: yes.
Comment: GAA p.Gly532Ser (c.1594G>A) is a missense variant that changes the amino acid at codon 532 from Glycine to Serine. This variant has been observed in at least one proband with a GAA-related disorder in the compound heterozygous and/or homozygous state (PMID:31392188;39375771;33202836). It is absent or not present at a significant frequency in gnomAD. In silico models predict that this variant is possibly or probably damaging. In conclusion, we classify GAA p.Gly532Ser (c.1594G>A) as a variant of uncertain significance.

Labcorp Genetics (formerly Invitae), Labcorp
Classification: Uncertain significance for Glycogen storage disease, type II. Last evaluated: 2026-01-11. Review status: criteria provided, single submitter. Criteria: Invitae Variant Classification Sherloc (09022015). Collection method: clinical testing. Allele origin: germline.
Comment: This sequence change replaces glycine, which is neutral and non-polar, with serine, which is neutral and polar, at codon 532 of the GAA protein (p.Gly532Ser). This variant is present in population databases (rs773576381, gnomAD 0.01%). This missense change has been observed in individual(s) with clinical features of GAA-related conditions (PMID: 31392188, 33202836). ClinVar contains an entry for this variant (Variation ID: 660436). Invitae Evidence Modeling of protein sequence and biophysical properties (such as structural, functional, and spatial information, amino acid conservation, physicochemical variation, residue mobility, and thermodynamic stability) indicates that this missense variant is expected to disrupt GAA protein function with a positive predictive value of 95%. In summary, the available evidence is currently insufficient to determine the role of this variant in disease. Therefore, it has been classified as a Variant of Uncertain Significance.

Mayo Clinic Laboratories, Mayo Clinic
Classification: Uncertain significance. Last evaluated: 2025-03-04. Review status: criteria provided, single submitter. Criteria: ACMG Guidelines, 2015. Collection method: clinical testing. Allele origin: germline. Observed: 1 variant allele.
Comment: PP3, PM2_supporting, PM3

Women's Health and Genetics/Laboratory Corporation of America, LabCorp
Classification: Uncertain significance. Last evaluated: 2024-09-17. Review status: criteria provided, single submitter. Criteria: LabCorp Variant Classification Summary - May 2015. Collection method: clinical testing. Allele origin: germline.
Comment: Variant summary: GAA c.1594G>A (p.Gly532Ser) results in a non-conservative amino acid change located in the Glycoside hydrolase family 31, TIM barrel domain (IPR017853) of the encoded protein sequence. Five of five in-silico tools predict a damaging effect of the variant on protein function. The variant allele was found at a frequency of 8e-06 in 251158 control chromosomes. The available data on variant occurrences in the general population are insufficient to allow any conclusion about variant significance. c.1594G>A has been reported in the literature in compound heterozygous individuals either affected with Glycogen Storage Disease, Type 2 (Pompe Disease), with a second variant of unclassified pathogenicity (example: Alandy-dy_2019) or with late-onset Pompe Disease (example: Ficicioglu_2020, Bhatnagar_2022). These data do not allow any conclusion about variant significance. To our knowledge, no experimental evidence demonstrating an impact on protein function has been reported. The following publications have been ascertained in the context of this evaluation (PMID: 31392188, 33202836, 35365393). ClinVar contains an entry for this variant (Variation ID: 660436). Based on the evidence outlined above, the variant was classified as uncertain significance.

Blueprint Genetics
Classification: Likely pathogenic for GAA-related disorders. Last evaluated: 2024-06-18. Review status: criteria provided, single submitter. Criteria: ACMG Guidelines, 2015. Collection method: clinical testing. Allele origin: germline. Affected: yes. Observed: 4 variant alleles.

Fulgent Genetics
Classification: Likely pathogenic for Glycogen storage disease, type II. Last evaluated: 2024-05-21. Review status: criteria provided, single submitter. Criteria: ACMG Guidelines, 2015. Collection method: clinical testing. Allele origin: germline.

Revvity Omics, Revvity
Classification: Uncertain significance. Last evaluated: 2019-11-11. Review status: criteria provided, single submitter. Criteria: ACMG Guidelines, 2015. Collection method: clinical testing. Allele origin: germline.

Natera, Inc.
Classification: Uncertain significance for Glycogen storage disease type II. Last evaluated: 2020-09-16. Review status: no assertion criteria provided. Collection method: clinical testing. Allele origin: germline. Not counted in ClinVar's aggregate classification.

Literature cited by the submitters: PubMed 31392188 (cited by 4 submitters); PubMed 39375771 (cited by Genomenon, Inc); PubMed 33202836 (cited by 4 submitters); PubMed 35365393 (cited by Women's Health and Genetics/Laboratory Corporation of America, LabCorp).

NM_000152.5(GAA):c.1594G>A (p.Gly532Ser)

Gene: GAA (alpha glucosidase; plus strand). Cytogenetic location: 17q25.3.
Variant type: single nucleotide variant.
Coding change: c.1594G>A on transcript NM_000152.5 (MANE Select); coding-DNA position 1594, G replaced by A.
Protein change: p.Gly532Ser; replaces glycine 532 with serine.
Molecular consequence: missense variant.
Genome position (GRCh38, 1-based): chr17:80,110,983, G>A. VCF-style: chr17-80110983-G-A. GRCh37 (hg19) VCF-style: chr17-78084782-G-A.
Other names: p.Gly532Ser; c.1594G>A (LRG_673t1, NM_000152.4); c.1594G>A, p.Gly532Ser (NM_001079803.3, NM_001079804.3); short protein forms G532S.
Identifiers: ClinVar variation 660436 (VCV000660436.17), dbSNP rs773576381, ClinGen allele CA8815388.